The following is an entry in ClinVar:

NM_002473.6(MYH9):c.5854G>C (p.Asp1952His)

Gene: MYH9 (myosin heavy chain 9; minus strand). Cytogenetic location: 22q12.3.
Variant type: single nucleotide variant.
Coding change: c.5854G>C on transcript NM_002473.6 (MANE Select); coding-DNA position 5854, G replaced by C.
Protein change: p.Asp1952His; replaces aspartic acid 1952 with histidine.
Molecular consequence: missense variant.
Genome position (GRCh38, 1-based): chr22:36,282,697, C>G on the plus strand (G>C on the coding strand, the complement: MYH9 is on the minus strand). VCF-style: chr22-36282697-C-G. GRCh37 (hg19) VCF-style: chr22-36678743-C-G.
Other names: short protein forms D1952H.
Identifiers: ClinVar variation 2433953 (VCV002433953.8), dbSNP rs1247127142, ClinGen allele CA411371225.

ClinVar aggregate classification (germline): Conflicting classifications of pathogenicity. Review status: criteria provided, conflicting classifications (1 of 4 stars). 3 submissions from 3 submitters: Uncertain significance (2); Likely benign (1). Last evaluated 2025-06-17.

Conditions:
Macrothrombocytopenia and granulocyte inclusions with or without nephritis or sensorineural hearing loss (MATINS). Also called: DOHLE LEUKOCYTE INCLUSIONS WITH GIANT PLATELETS; BLEEDING DISORDER, PLATELET-TYPE, 6; MACROTHROMBOCYTOPENIA WITH LEUKOCYTE INCLUSIONS; MAY-HEGGLIN ANOMALY; MACROTHROMBOCYTOPENIA, NEPHRITIS, AND DEAFNESS; MACROTHROMBOCYTOPENIA, NEPHRITIS, DEAFNESS, AND LEUKOCYTE INCLUSIONS. Identifiers: Orphanet 182050, MedGen C5200934, MONDO:0015912, OMIM 155100.

Allele frequency attached by ClinVar (database versions not stated): gnomAD 0.00001.
gnomAD v4.1: 4 of 1,613,964 alleles (0.00025%); highest among the groups gnomAD compares: Non-Finnish European, 0.00034%; no homozygotes.

Submissions (3):

St. Jude Molecular Pathology, St. Jude Children's Research Hospital
Classification: Uncertain significance for Macrothrombocytopenia and granulocyte inclusions with or without nephritis or sensorineural hearing loss. Last evaluated: 2025-06-17. Review status: criteria provided, single submitter. Criteria: St. Jude Assertion Criteria 2020. Collection method: clinical testing. Allele origin: germline.
Comment: The MYH9 c.5854G>C (p.Asp1952His) missense change has a maximum subpopulation frequency of 0.0065% in gnomAD v2.1.1. The in silico tool REVEL is inconclusive about a pathogenic or benign effect of this variant on protein function, and to our knowledge functional studies have not been performed. To our knowledge, this variant has not been reported in individuals with MYH9-associated conditions. In summary, the evidence currently available is insufficient to determine the clinical significance of this variant. It has therefore been classified as of uncertain significance.

Labcorp Genetics (formerly Invitae), Labcorp
Classification: Likely benign. Last evaluated: 2023-06-24. Review status: criteria provided, single submitter. Criteria: Invitae Variant Classification Sherloc (09022015). Collection method: clinical testing. Allele origin: germline.

Revvity Omics, Revvity
Classification: Uncertain significance. Last evaluated: 2021-12-14. Review status: criteria provided, single submitter. Criteria: ACMG Guidelines, 2015. Collection method: clinical testing. Allele origin: germline.